The following is an entry in ClinVar:

ClinVar aggregate classification (germline): Likely benign. Review status: criteria provided, single submitter (1 of 4 stars). 2 submissions from 2 submitters: Likely benign (1). 1 of the submissions does not count toward it. Last evaluated 2025-05-26.

Conditions:
IFT172-related disorder. Also called: IFT172-related disorders; IFT172-related condition.
Short-rib thoracic dysplasia 10 with or without polydactyly (SRTD10). Identifiers: Orphanet 474, MedGen C3810175, MONDO:0014284, OMIM 615630.
Retinitis pigmentosa 71 (RP71). Identifiers: Orphanet 791, MedGen C4225342, MONDO:0014618, OMIM 616394.

gnomAD v4.1: 28 of 1,607,996 alleles (0.0017%); highest among the groups gnomAD compares: Non-Finnish European, 0.0023%; no homozygotes.

Submissions (2):

Labcorp Genetics (formerly Invitae), Labcorp
Classification: Likely benign for Retinitis pigmentosa 71; Short-rib thoracic dysplasia 10 with or without polydactyly. Last evaluated: 2025-05-26. Review status: criteria provided, single submitter. Criteria: Invitae Variant Classification Sherloc (09022015). Collection method: clinical testing. Allele origin: germline.

PreventionGenetics, part of Exact Sciences
Classification: Likely benign for IFT172-related condition. Last evaluated: 2024-05-19. Review status: no assertion criteria provided. Collection method: clinical testing. Allele origin: germline. Not counted in ClinVar's aggregate classification.
Comment: This variant is classified as likely benign based on ACMG/AMP sequence variant interpretation guidelines (Richards et al. 2015 PMID: 25741868, with internal and published modifications).

NM_015662.3(IFT172):c.255G>A (p.Gln85=)

Gene: IFT172 (intraflagellar transport 172; minus strand). Cytogenetic location: 2p23.3.
Variant type: single nucleotide variant.
Coding change: c.255G>A on transcript NM_015662.3 (MANE Select); coding-DNA position 255, G replaced by A.
Protein change: p.Gln85=; no amino-acid change (glutamine 85 retained).
Molecular consequence: synonymous variant.
Genome position (GRCh38, 1-based): chr2:27,485,059, C>T on the plus strand (G>A on the coding strand, the complement: IFT172 is on the minus strand). VCF-style: chr2-27485059-C-T. GRCh37 (hg19) VCF-style: chr2-27707926-C-T.
Other names: c.255G>A, p.Gln85= (NM_001410739.1).
Identifiers: ClinVar variation 3352808 (VCV003352808.3).